The following is an entry in ClinVar:

NM_003791.4(MBTPS1):c.100C>G (p.Pro34Ala)

Gene: MBTPS1 (membrane bound transcription factor peptidase, site 1; minus strand). Cytogenetic location: 16q24.1.
Variant type: single nucleotide variant.
Coding change: c.100C>G on transcript NM_003791.4 (MANE Select); coding-DNA position 100, C replaced by G.
Protein change: p.Pro34Ala; replaces proline 34 with alanine.
Molecular consequence: missense variant.
Genome position (GRCh38, 1-based): chr16:84,101,684, G>C on the plus strand (C>G on the coding strand, the complement: MBTPS1 is on the minus strand). VCF-style: chr16-84101684-G-C. GRCh37 (hg19) VCF-style: chr16-84135289-G-C.
Other names: short protein forms P34A.
Identifiers: ClinVar variation 2963415 (VCV002963415.3), dbSNP rs773030148, ClinGen allele CA8201911.

ClinVar aggregate classification (germline): Uncertain significance (1 of 4 stars; one submission).

Allele frequency attached by ClinVar (database versions not stated): ExAC 0.00001; gnomAD 0.00001; TOPMed 0.00002.
gnomAD v4.1: 13 of 1,613,998 alleles (0.00081%); highest among the groups gnomAD compares: Admixed American, 0.022%; no homozygotes.

Submission:

Labcorp Genetics (formerly Invitae), Labcorp
Classification: Uncertain significance. Last evaluated: 2024-02-26. Review status: criteria provided, single submitter. Criteria: Invitae Variant Classification Sherloc (09022015). Collection method: clinical testing. Allele origin: germline.
Comment: This sequence change replaces proline, which is neutral and non-polar, with alanine, which is neutral and non-polar, at codon 34 of the MBTPS1 protein (p.Pro34Ala). The frequency data for this variant in the population databases is considered unreliable, as metrics indicate poor data quality at this position in the gnomAD database. This variant has not been reported in the literature in individuals affected with MBTPS1-related conditions. An algorithm developed to predict the effect of missense changes on protein structure and function (PolyPhen-2) suggests that this variant is likely to be tolerated. In summary, the available evidence is currently insufficient to determine the role of this variant in disease. Therefore, it has been classified as a Variant of Uncertain Significance.